The following is an entry in ClinVar:

NM_002025.4(AFF2):c.2059A>G (p.Asn687Asp)

Gene: AFF2 (ALF transcription elongation factor 2; plus strand). Cytogenetic location: Xq28.
Variant type: single nucleotide variant.
Coding change: c.2059A>G on transcript NM_002025.4 (MANE Select); coding-DNA position 2059, A replaced by G.
Protein change: p.Asn687Asp; replaces asparagine 687 with aspartic acid.
Molecular consequence: missense variant.
Genome position (GRCh38, 1-based): chrX:148,956,104, A>G. VCF-style: chrX-148956104-A-G. GRCh37 (hg19) VCF-style: chrX-148037634-A-G.
Other names: c.1960A>G, p.Asn654Asp (NM_001169122.2); c.2029A>G, p.Asn677Asp (NM_001169123.2); c.1954A>G, p.Asn652Asp (NM_001169124.2); c.1942A>G, p.Asn648Asp (NM_001169125.2); c.982A>G, p.Asn328Asp (NM_001170628.1); short protein forms N328D, N648D, N652D, N654D, N677D, N687D.
Identifiers: ClinVar variation 3344748 (VCV003344748.1).

ClinVar aggregate classification (germline): Uncertain significance (0 of 4 stars; one submission).

Conditions:
AFF2-related disorder. Also called: AFF2-related condition.

Submission:

PreventionGenetics, part of Exact Sciences
Classification: Uncertain significance for AFF2-related condition. Last evaluated: 2024-07-09. Review status: no assertion criteria provided. Collection method: clinical testing. Allele origin: germline.
Comment: The AFF2 c.2059A>G variant is predicted to result in the amino acid substitution p.Asn687Asp. To our knowledge, this variant has not been reported in the literature or in a large population database, indicating this variant is rare. At this time, the clinical significance of this variant is uncertain due to the absence of conclusive functional and genetic evidence.